The following is an entry in ClinVar:

NM_001127222.2(CACNA1A):c.2665G>A (p.Ala889Thr)

Gene: CACNA1A (calcium voltage-gated channel subunit alpha1 A; minus strand). Cytogenetic location: 19p13.13.
Variant type: single nucleotide variant.
Coding change: c.2665G>A on transcript NM_001127222.2 (MANE Select); coding-DNA position 2665, G replaced by A.
Protein change: p.Ala889Thr; replaces alanine 889 with threonine.
Molecular consequence: missense variant.
Genome position (GRCh38, 1-based): chr19:13,298,968, C>T on the plus strand (G>A on the coding strand, the complement: CACNA1A is on the minus strand). VCF-style: chr19-13298968-C-T. GRCh37 (hg19) VCF-style: chr19-13409782-C-T.
Other names: c.2677G>A, p.Ala893Thr (NM_000068.4, NM_023035.3); c.2668G>A, p.Ala890Thr (NM_001127221.2, NM_001174080.2); short protein forms A889T, A890T, A893T.
Identifiers: ClinVar variation 3748820 (VCV003748820.2).

ClinVar aggregate classification (germline): Uncertain significance (1 of 4 stars; one submission).

Conditions:
Episodic ataxia type 2 (EA2). Also called: ACETAZOLAMIDE-RESPONSIVE HEREDITARY PAROXYSMAL CEREBELLAR ATAXIA; ATAXIA, EPISODIC, WITH NYSTAGMUS; ATAXIA, FAMILIAL PAROXYSMAL; CEREBELLAR ATAXIA, PAROXYSMAL, ACETAZOLAMIDE-RESPONSIVE; CEREBELLOPATHY, HEREDITARY PAROXYSMAL; EPISODIC ATAXIA, NYSTAGMUS-ASSOCIATED. Identifiers: Orphanet 97, MedGen C1720416, MONDO:0007163, OMIM 108500.
Developmental and epileptic encephalopathy, 42 (DEE42A). Also called: Epileptic encephalopathy, early infantile, 42; DEVELOPMENTAL AND EPILEPTIC ENCEPHALOPATHY 42A; EPILEPTIC ENCEPHALOPATHY, EARLY INFANTILE, 42A. Identifiers: MedGen C4310716, MONDO:0014917, OMIM 617106.

gnomAD v4.1: 4 of 1,585,760 alleles (0.00025%); highest among the groups gnomAD compares: East Asian, 0.0023%; no homozygotes.

Submission:

Labcorp Genetics (formerly Invitae), Labcorp
Classification: Uncertain significance for Developmental and epileptic encephalopathy, 42; Episodic ataxia type 2. Last evaluated: 2024-03-03. Review status: criteria provided, single submitter. Criteria: Invitae Variant Classification Sherloc (09022015). Collection method: clinical testing. Allele origin: germline.
Comment: This sequence change replaces alanine, which is neutral and non-polar, with threonine, which is neutral and polar, at codon 890 of the CACNA1A protein (p.Ala890Thr). This variant is not present in population databases (gnomAD no frequency). This variant has not been reported in the literature in individuals affected with CACNA1A-related conditions. Advanced modeling of protein sequence and biophysical properties (such as structural, functional, and spatial information, amino acid conservation, physicochemical variation, residue mobility, and thermodynamic stability) performed at Invitae indicates that this missense variant is not expected to disrupt CACNA1A protein function with a negative predictive value of 95%. In summary, the available evidence is currently insufficient to determine the role of this variant in disease. Therefore, it has been classified as a Variant of Uncertain Significance.